The following is an entry in ClinVar:

NM_012275.3(IL36RN):c.130G>A (p.Val44Met)

Gene: IL36RN (interleukin 36 receptor antagonist; plus strand). Cytogenetic location: 2q14.1.
Variant type: single nucleotide variant.
Coding change: c.130G>A on transcript NM_012275.3 (MANE Select); coding-DNA position 130, G replaced by A.
Protein change: p.Val44Met; replaces valine 44 with methionine.
Molecular consequence: missense variant.
Genome position (GRCh38, 1-based): chr2:113,062,138, G>A. VCF-style: chr2-113062138-G-A. GRCh37 (hg19) VCF-style: chr2-113819715-G-A.
Other names: c.130G>A, p.Val44Met (NM_173170.1); short protein forms V44M.
Identifiers: ClinVar variation 835623 (VCV000835623.7), dbSNP rs776622427, ClinGen allele CA1838368.
Genomic context (GRCh38, chr2:113,062,138, plus strand): 5'-GGAGGGAAAGGCATCCAGGGCCCTGCATCTGGCCTCTTTCCCACAGGTGAAGAGATCAGC[G>A]TGGTCCCCAATCGGTGGCTGGATGCCAGCCTGTCCCCCGTCATCCTGGGTGTCCAGGGTG-3'
Protein context (NP_036407.1, residues 34-54): GKVIKGEEIS[Val44Met]VPNRWLDASL

ClinVar aggregate classification (germline): Uncertain significance (1 of 4 stars; one submission).

Conditions:
Generalized pustular psoriasis. Identifiers: Orphanet 247353, MedGen C0343055, MONDO:0100491.

Allele frequency attached by ClinVar (database versions not stated): ExAC 0.00003; gnomAD 0.00003; TOPMed 0.00006.

Submission:

Labcorp Genetics (formerly Invitae), Labcorp
Classification: Uncertain significance for Generalized pustular psoriasis. Last evaluated: 2025-02-09. Review status: criteria provided, single submitter. Criteria: Invitae Variant Classification Sherloc (09022015). Collection method: clinical testing. Allele origin: germline.
Comment: This sequence change replaces valine, which is neutral and non-polar, with methionine, which is neutral and non-polar, at codon 44 of the IL36RN protein (p.Val44Met). This variant is present in population databases (rs776622427, gnomAD 0.006%). This missense change has been observed in individual(s) with generalized pustular psoriasis (PMID: 28063630, 28887889). ClinVar contains an entry for this variant (Variation ID: 835623). An algorithm developed to predict the effect of missense changes on protein structure and function outputs the following: PolyPhen-2: "Possibly Damaging". The methionine amino acid residue is found in multiple mammalian species, which suggests that this missense change does not adversely affect protein function. In summary, the available evidence is currently insufficient to determine the role of this variant in disease. Therefore, it has been classified as a Variant of Uncertain Significance.

Literature cited by the submitters: PubMed 28063630; PubMed 28887889.